The following is an entry in ClinVar:

ClinVar aggregate classification (germline): Uncertain significance (1 of 4 stars; one submission).

Conditions:
Hereditary cancer-predisposing syndrome. Also called: Neoplastic Syndromes, Hereditary; Tumor predisposition; Hereditary neoplastic syndrome; Hereditary Cancer Syndrome. Identifiers: Orphanet 140162, MedGen C0027672, MeSH D009386, MONDO:0015356.

Submission:

Ambry Genetics
Classification: Uncertain significance for Hereditary cancer-predisposing syndrome. Last evaluated: 2026-08-11. Review status: criteria provided, single submitter. Criteria: Ambry Variant Classification Scheme 2023. Collection method: clinical testing. Allele origin: germline.
Comment: The c.250-1G>T intronic variant results from a G to T substitution one nucleotide upstream from coding exon 2 of the FLCN gene. Variants that disrupt the canonical splice site are expected to result in aberrant splicing. In silico splice site analysis predicts that this alteration will weaken the native splice acceptor site and will result in the creation or strengthening of a novel splice acceptor site. RNA studies have demonstrated that this variant results in a transcript predicted to lead to a protein with an in-frame deletion of 49 amino acids; however, the exact functional impact of the deleted amino acids is unknown at this time (Ambry internal data). This nucleotide position is highly conserved in available vertebrate species. Based on the available evidence, the clinical significance of this variant remains unclear.

NM_144997.7(FLCN):c.250-1G>T

Gene: FLCN (folliculin; minus strand). Cytogenetic location: 17p11.2.
Variant type: single nucleotide variant.
Coding change: c.250-1G>T on transcript NM_144997.7 (MANE Select); the canonical splice acceptor site of the intron before coding-DNA position 250, G replaced by T.
Molecular consequence: splice acceptor variant.
Genome position (GRCh38, 1-based): chr17:17,226,323, C>A on the plus strand (G>T on the coding strand, the complement: FLCN is on the minus strand). VCF-style: chr17-17226323-C-A. GRCh37 (hg19) VCF-style: chr17-17129637-C-A.
Other names: c.250-1G>T (NM_001353231.2, NM_001353230.2, NM_001353229.2 and 1 more transcripts).
Identifiers: ClinVar variation 5021866 (VCV005021866.1).
Genomic context (GRCh38, chr17:17,226,323, plus strand): 5'-GGAGGTCTCTTTATCATGGCTGATATATCCCGGGTGCCCTGCAGCAAGTGACCGGCAGCC[C>A]TGTCCATGAAAAGGAAAAGTAAATCTGTTAGTTGGGAAGCAGGGCGACAAACTCTCTTAG-3'